The following is an entry in ClinVar:

NM_000540.3(RYR1):c.13555C>T (p.Pro4519Ser)

Gene: RYR1 (ryanodine receptor 1; plus strand). Cytogenetic location: 19q13.2.
Variant type: single nucleotide variant.
Coding change: c.13555C>T on transcript NM_000540.3 (MANE Select); coding-DNA position 13555, C replaced by T.
Protein change: p.Pro4519Ser; replaces proline 4519 with serine.
Molecular consequence: missense variant.
Genome position (GRCh38, 1-based): chr19:38,567,813, C>T. VCF-style: chr19-38567813-C-T. GRCh37 (hg19) VCF-style: chr19-39058453-C-T.
Other names: c.13540C>T, p.Pro4514Ser (NM_001042723.2); short protein forms P4514S, P4519S.
Identifiers: ClinVar variation 4756852 (VCV004756852.1).

ClinVar aggregate classification (germline): Uncertain significance (1 of 4 stars; one submission).

Conditions:
Malignant hyperthermia, susceptibility to, 1 (MHS1). Also called: RYR1-Related Malignant Hyperthermia Susceptibility; Malignant hyperthermia suceptibility 1; Anesthesia related hyperthermia; Malignant hyperpyrexia; Fulminating hyperpyrexia; Pharmacogenic myopathy. Identifiers: Orphanet 423, MedGen C2930980, MONDO:0007783, OMIM 145600.

Submission:

Color Diagnostics, LLC DBA Color Health
Classification: Uncertain significance for Malignant hyperthermia, susceptibility to, 1. Last evaluated: 2025-06-23. Review status: criteria provided, single submitter. Criteria: ACMG Guidelines, 2015. Collection method: clinical testing. Allele origin: germline.
Comment: This missense variant replaces proline with serine at codon 4519 of the RYR1 protein. Computational prediction suggests that this variant may not impact protein structure and function. To our knowledge, functional studies have not been reported for this variant. This variant has not been reported in individuals affected with RYR1-related disorders in the literature. This variant has not been identified in the general population by the Genome Aggregation Database (gnomAD). The available evidence is insufficient to determine the role of this variant in disease conclusively. Therefore, this variant is classified as a Variant of Uncertain Significance.